The following is an entry in ClinVar:

ClinVar aggregate classification (germline): Likely benign (1 of 4 stars; one submission).

gnomAD v4.1: 2,582 of 1,614,052 alleles (0.16%); highest among the groups gnomAD compares: Middle Eastern, 0.33%; 4 homozygotes.

Submission:

CeGaT Center for Human Genetics Tuebingen
Classification: Likely benign. Last evaluated: 2026-07-01. Review status: criteria provided, single submitter. Criteria: CeGaT Center For Human Genetics Tuebingen Variant Classification Criteria Version 2. Collection method: clinical testing. Allele origin: germline. Affected: yes. Observed: 4 variant alleles.
Comment: SLC5A6: BP4, BP7

NM_021095.4(SLC5A6):c.1134G>A (p.Thr378=)

Gene: SLC5A6 (solute carrier family 5 member 6; minus strand). Cytogenetic location: 2p23.3.
Variant type: single nucleotide variant.
Coding change: c.1134G>A on transcript NM_021095.4 (MANE Select); coding-DNA position 1134, G replaced by A.
Protein change: p.Thr378=; no amino-acid change (threonine 378 retained).
Molecular consequence: synonymous variant. On other transcripts: non-coding transcript variant (1).
Genome position (GRCh38, 1-based): chr2:27,203,306, C>T on the plus strand (G>A on the coding strand, the complement: SLC5A6 is on the minus strand). VCF-style: chr2-27203306-C-T. GRCh37 (hg19) VCF-style: chr2-27426174-C-T.
Identifiers: ClinVar variation 3388069 (VCV003388069.14).
Genomic context (GRCh38, chr2:27,203,306, plus strand): 5'-AAGCATGATGGCCCGGGCTTCAGAGAACTCAGGGAACCAAGGTCGAATCAGGTCTTCCAT[C>T]GTAACAGTTGCCAATGAATTAAAAGCAGAGGATATAGTGCTGAAAAAGAGGAAGAGGATG-3'
Protein context (NP_066918.2, residues 368-388): SSAFNSLATV[Thr378=]MEDLIRPWFP